The following is an entry in ClinVar:

NM_001958.5(EEF1A2):c.17C>T (p.Thr6Ile)

Gene: EEF1A2 (eukaryotic translation elongation factor 1 alpha 2; minus strand). Cytogenetic location: 20q13.33.
Variant type: single nucleotide variant.
Coding change: c.17C>T on transcript NM_001958.5 (MANE Select); coding-DNA position 17, C replaced by T.
Protein change: p.Thr6Ile; replaces threonine 6 with isoleucine.
Molecular consequence: missense variant.
Genome position (GRCh38, 1-based): chr20:63,497,747, G>A on the plus strand (C>T on the coding strand, the complement: EEF1A2 is on the minus strand). VCF-style: chr20-63497747-G-A. GRCh37 (hg19) VCF-style: chr20-62129100-G-A.
Other names: short protein forms T6I.
Identifiers: ClinVar variation 4706585 (VCV004706585.1).
Genomic context (GRCh38, chr20:63,497,747, plus strand): 5'-TGGCCCGTGGTGGTGGACTTTCCGGAGTCCACGTGGCCGATGACCACGATGTTGATGTGG[G>A]TCTTCTCCTTGCCCATTTTGCTGGGAGTGTGAGGGGCTGGCGGGACCCGGGGTGCTCTGG-3'
Protein context (NP_001949.1, residues 1-16): MGKEK[Thr6Ile]HINIVVIGHV

ClinVar aggregate classification (germline): Uncertain significance (1 of 4 stars; one submission).

Conditions:
Developmental and epileptic encephalopathy, 33 (DEE33). Also called: Epileptic encephalopathy, early infantile, 33. Identifiers: Orphanet 442835, MedGen C4225337, MONDO:0014625, OMIM 616409.

gnomAD v4.1: 2 of 1,612,700 alleles (0.00012%); highest among the groups gnomAD compares: Non-Finnish European, 0.00017%; no homozygotes.

Submission:

Labcorp Genetics (formerly Invitae), Labcorp
Classification: Uncertain significance for Developmental and epileptic encephalopathy, 33. Last evaluated: 2025-04-14. Review status: criteria provided, single submitter. Criteria: Invitae Variant Classification Sherloc (09022015). Collection method: clinical testing. Allele origin: germline.
Comment: This sequence change replaces threonine, which is neutral and polar, with isoleucine, which is neutral and non-polar, at codon 6 of the EEF1A2 protein (p.Thr6Ile). This variant is present in population databases (rs751012252, gnomAD 0.0009%). This variant has not been reported in the literature in individuals affected with EEF1A2-related conditions. Invitae Evidence Modeling of protein sequence and biophysical properties (such as structural, functional, and spatial information, amino acid conservation, physicochemical variation, residue mobility, and thermodynamic stability) indicates that this missense variant is not expected to disrupt EEF1A2 protein function with a negative predictive value of 95%. In summary, the available evidence is currently insufficient to determine the role of this variant in disease. Therefore, it has been classified as a Variant of Uncertain Significance.